The following is an entry in ClinVar:

ClinVar aggregate classification (germline): Uncertain significance (1 of 4 stars; one submission).

Conditions:
Severe combined immunodeficiency due to DNA-PKcs deficiency. Also called: Immunodeficiency 26 with or without neurologic abnormalities; IMMUNODEFICIENCY 26 WITH NEUROLOGIC ABNORMALITIES. Identifiers: Orphanet 317425, MedGen C4014833, MONDO:0014423, OMIM 615966.

Allele frequency attached by ClinVar (database versions not stated): gnomAD exomes below 0.00001.
gnomAD v4.1: 3 of 1,607,706 alleles (0.00019%); highest among the groups gnomAD compares: Non-Finnish European, 0.00025%; no homozygotes.

Submission:

Labcorp Genetics (formerly Invitae), Labcorp
Classification: Uncertain significance for Severe combined immunodeficiency due to DNA-PKcs deficiency. Last evaluated: 2021-08-15. Review status: criteria provided, single submitter. Criteria: Invitae Variant Classification Sherloc (09022015). Collection method: clinical testing. Allele origin: germline.
Comment: This variant has not been reported in the literature in individuals affected with PRKDC-related conditions. In summary, the available evidence is currently insufficient to determine the role of this variant in disease. Therefore, it has been classified as a Variant of Uncertain Significance. Experimental studies and prediction algorithms are not available or were not evaluated, and the functional significance of this variant is currently unknown. This variant is not present in population databases (ExAC no frequency). This sequence change replaces proline with arginine at codon 897 of the PRKDC protein (p.Pro897Arg). The proline residue is highly conserved and there is a moderate physicochemical difference between proline and arginine.

NM_006904.7(PRKDC):c.2690C>G (p.Pro897Arg)

Gene: PRKDC (protein kinase, DNA-activated, catalytic subunit; minus strand). Cytogenetic location: 8q11.21.
Variant type: single nucleotide variant.
Coding change: c.2690C>G on transcript NM_006904.7 (MANE Select); coding-DNA position 2690, C replaced by G.
Protein change: p.Pro897Arg; replaces proline 897 with arginine.
Molecular consequence: missense variant.
Genome position (GRCh38, 1-based): chr8:47,913,992, G>C on the plus strand (C>G on the coding strand, the complement: PRKDC is on the minus strand). VCF-style: chr8-47913992-G-C. GRCh37 (hg19) VCF-style: chr8-48826552-G-C.
Other names: c.2690C>G, p.Pro897Arg (NM_001081640.2); short protein forms P897R.
Identifiers: ClinVar variation 1382053 (VCV001382053.6), dbSNP rs894027943, ClinGen allele CA176160227.